The following is an entry in ClinVar:

NM_020822.3(KCNT1):c.3117C>T (p.Gly1039=)

Gene: KCNT1 (potassium sodium-activated channel subfamily T member 1; plus strand). Cytogenetic location: 9q34.3.
Variant type: single nucleotide variant.
Coding change: c.3117C>T on transcript NM_020822.3 (MANE Select); coding-DNA position 3117, C replaced by T.
Protein change: p.Gly1039=; no amino-acid change (glycine 1039 retained).
Molecular consequence: synonymous variant.
Genome position (GRCh38, 1-based): chr9:135,784,850, C>T. VCF-style: chr9-135784850-C-T. GRCh37 (hg19) VCF-style: chr9-138676696-C-T.
Other names: c.2982C>T, p.Gly994= (NM_001272003.2).
Identifiers: ClinVar variation 3750120 (VCV003750120.2).

ClinVar aggregate classification (germline): Uncertain significance (1 of 4 stars; one submission).

Conditions:
Autosomal dominant nocturnal frontal lobe epilepsy 5. Also called: KCNT1-Related Epilepsy; CILIARY DYSKINESIA, PRIMARY, 28, WITHOUT SITUS INVERSUS; CILIARY DYSKINESIA, PRIMARY, 28, WITH SITUS INVERSUS; Epilepsy, nocturnal frontal lobe, 5. Identifiers: Orphanet 98784, MedGen C3554306, MONDO:0014002, OMIM 615005.
Developmental and epileptic encephalopathy, 14 (DEE14). Also called: Early infantile epileptic encephalopathy 14. Identifiers: Orphanet 293181, MedGen C3554195, MONDO:0013989, OMIM 614959.

gnomAD v4.1: 1 of 1,612,828 alleles (0.000062%); highest among the groups gnomAD compares: Non-Finnish European, 0.000085%; no homozygotes.

Submission:

Labcorp Genetics (formerly Invitae), Labcorp
Classification: Uncertain significance for Autosomal dominant nocturnal frontal lobe epilepsy 5; Developmental and epileptic encephalopathy, 14. Last evaluated: 2024-06-26. Review status: criteria provided, single submitter. Criteria: Invitae Variant Classification Sherloc (09022015). Collection method: clinical testing. Allele origin: germline.
Comment: This sequence change affects codon 1039 of the KCNT1 mRNA. It is a 'silent' change, meaning that it does not change the encoded amino acid sequence of the KCNT1 protein. This variant is not present in population databases (gnomAD no frequency). This variant has not been reported in the literature in individuals affected with KCNT1-related conditions. Algorithms developed to predict the effect of sequence changes on RNA splicing suggest that this variant may create or strengthen a splice site. In summary, the available evidence is currently insufficient to determine the role of this variant in disease. Therefore, it has been classified as a Variant of Uncertain Significance.